The following is an entry in ClinVar:

NM_002474.3(MYH11):c.727-8G>A

Gene: MYH11 (myosin heavy chain 11; minus strand). Cytogenetic location: 16p13.11.
Variant type: single nucleotide variant.
Coding change: c.727-8G>A on transcript NM_002474.3 (MANE Select); 8 bases into the intron before coding-DNA position 727, G replaced by A.
Molecular consequence: intron variant.
Genome position (GRCh38, 1-based): chr16:15,778,851, C>T on the plus strand (G>A on the coding strand, the complement: MYH11 is on the minus strand). VCF-style: chr16-15778851-C-T. GRCh37 (hg19) VCF-style: chr16-15872708-C-T.
Other names: c.727-8G>A (NM_022844.3); c.748-8G>A (NM_001040114.2, NM_001040113.2).
Identifiers: ClinVar variation 918420 (VCV000918420.4), dbSNP rs1211905522, ClinGen allele CA621062945.
Genomic context (GRCh38, chr16:15,778,851, plus strand): 5'-TTGGCTCCCACGATGTAACCCGTGACGTCGAAGTTGATGCGGATGAATTTGCCCTGCCAA[C>T]AGGAAAACACAGTTCAGGCTTTGCTGCCCAACTTCAGCCGTTAACCCCATGCTGTGGGCA-3'

ClinVar aggregate classification (germline): Conflicting classifications of pathogenicity. Review status: criteria provided, conflicting classifications (1 of 4 stars). 2 submissions from 2 submitters: Uncertain significance (1); Likely benign (1). Last evaluated 2025-03-30.

Conditions:
Familial thoracic aortic aneurysm and aortic dissection (TAAD). Also called: Thoracic aortic aneurysms and dissections. Identifiers: Orphanet 91387, MedGen C4707243, MONDO:0019625.
Aortic aneurysm, familial thoracic 4 (AAT4). Also called: AORTIC ANEURYSM/AORTIC DISSECTION AND PATENT DUCTUS ARTERIOSUS. Identifiers: MedGen C1851504, MONDO:0007568, OMIM 132900.

Allele frequency attached by ClinVar (database versions not stated): gnomAD exomes below 0.00001; gnomAD 0.00001; TOPMed 0.00001.
gnomAD v4.1: 4 of 1,614,030 alleles (0.00025%); highest among the groups gnomAD compares: African/African-American, 0.0013%; no homozygotes.

Submissions (2):

Labcorp Genetics (formerly Invitae), Labcorp
Classification: Likely benign for Aortic aneurysm, familial thoracic 4. Last evaluated: 2025-03-30. Review status: criteria provided, single submitter. Criteria: Invitae Variant Classification Sherloc (09022015). Collection method: clinical testing. Allele origin: germline.

Color Diagnostics, LLC DBA Color Health
Classification: Uncertain significance for Familial thoracic aortic aneurysm and aortic dissection. Last evaluated: 2019-08-26. Review status: criteria provided, single submitter. Criteria: ACMG Guidelines, 2015. Collection method: clinical testing. Allele origin: germline.
Comment: This variant causes a C>T nucleotide substitution at the -8 position of intron 7 of the MYH11 gene. Splice site prediction tools and conservation analyses are inconclusive regarding the impact of this variant on RNA splicing. To our knowledge, functional studies have not been performed for this variant. This variant has not been reported in individuals affected with cardiovascular disorders in the literature. This variant has been identified in 1/251458 chromosomes in the general population by the Genome Aggregation Database (gnomAD). The available evidence is insufficient to determine the role of this variant in disease conclusively. Therefore, this variant is classified as a Variant of Uncertain Significance.